The following is an entry in ClinVar:

NM_020808.5(SIPA1L2):c.1398T>C (p.Pro466=)

Gene: SIPA1L2 (signal induced proliferation associated 1 like 2; minus strand). Cytogenetic location: 1q42.2.
Variant type: single nucleotide variant.
Coding change: c.1398T>C on transcript NM_020808.5 (MANE Select); coding-DNA position 1398, T replaced by C.
Protein change: p.Pro466=; no amino-acid change (proline 466 retained).
Molecular consequence: synonymous variant.
Genome position (GRCh38, 1-based): chr1:232,513,942, A>G on the plus strand (T>C on the coding strand, the complement: SIPA1L2 is on the minus strand). VCF-style: chr1-232513942-A-G. GRCh37 (hg19) VCF-style: chr1-232649688-A-G.
Other names: c.1398T>C, p.Pro466= (NM_001377488.1).
Identifiers: ClinVar variation 2640083 (VCV002640083.24), dbSNP rs773332496, ClinGen allele CA1455483.

ClinVar aggregate classification (germline): Likely benign (1 of 4 stars; one submission).

Allele frequency attached by ClinVar (database versions not stated): gnomAD exomes 0.00002; gnomAD 0.00003; ExAC 0.00004; TOPMed 0.00006.
gnomAD v4.1: 39 of 1,614,034 alleles (0.0024%); highest among the groups gnomAD compares: Admixed American, 0.012%; no homozygotes.

Submission:

CeGaT Center for Human Genetics Tuebingen
Classification: Likely benign. Last evaluated: 2022-10-01. Review status: criteria provided, single submitter. Criteria: CeGaT Center For Human Genetics Tuebingen Variant Classification Criteria Version 2. Collection method: clinical testing. Allele origin: germline. Affected: yes. Observed: 1 variant allele.
Comment: SIPA1L2: BP4, BP7